The following is an entry in ClinVar:

NM_006766.5(KAT6A):c.2986A>T (p.Ser996Cys)

Gene: KAT6A (lysine acetyltransferase 6A; minus strand). Cytogenetic location: 8p11.21.
Variant type: single nucleotide variant.
Coding change: c.2986A>T on transcript NM_006766.5 (MANE Select); coding-DNA position 2986, A replaced by T.
Protein change: p.Ser996Cys; replaces serine 996 with cysteine.
Molecular consequence: missense variant.
Genome position (GRCh38, 1-based): chr8:41,940,895, T>A on the plus strand (A>T on the coding strand, the complement: KAT6A is on the minus strand). VCF-style: chr8-41940895-T-A. GRCh37 (hg19) VCF-style: chr8-41798413-T-A.
Other names: short protein forms S996C.
Identifiers: ClinVar variation 1938379 (VCV001938379.5), dbSNP rs183255462, ClinGen allele CA371071230.

ClinVar aggregate classification (germline): Uncertain significance (1 of 4 stars; one submission).

Submission:

Labcorp Genetics (formerly Invitae), Labcorp
Classification: Uncertain significance. Last evaluated: 2025-04-07. Review status: criteria provided, single submitter. Criteria: Invitae Variant Classification Sherloc (09022015). Collection method: clinical testing. Allele origin: germline.
Comment: This sequence change replaces serine, which is neutral and polar, with cysteine, which is neutral and slightly polar, at codon 996 of the KAT6A protein (p.Ser996Cys). This variant is not present in population databases (gnomAD no frequency). This variant has not been reported in the literature in individuals affected with KAT6A-related conditions. ClinVar contains an entry for this variant (Variation ID: 1938379). Invitae Evidence Modeling of protein sequence and biophysical properties (such as structural, functional, and spatial information, amino acid conservation, physicochemical variation, residue mobility, and thermodynamic stability) indicates that this missense variant is not expected to disrupt KAT6A protein function with a negative predictive value of 95%. In summary, the available evidence is currently insufficient to determine the role of this variant in disease. Therefore, it has been classified as a Variant of Uncertain Significance.